The following is an entry in ClinVar:

ClinVar aggregate classification (germline): Uncertain significance (1 of 4 stars; one submission).

Submission:

Labcorp Genetics (formerly Invitae), Labcorp
Classification: Uncertain significance. Last evaluated: 2024-11-29. Review status: criteria provided, single submitter. Criteria: Invitae Variant Classification Sherloc (09022015). Collection method: clinical testing. Allele origin: germline.
Comment: This sequence change replaces proline, which is neutral and non-polar, with threonine, which is neutral and polar, at codon 2735 of the COL7A1 protein (p.Pro2735Thr). This variant is not present in population databases (gnomAD no frequency). This variant has not been reported in the literature in individuals affected with COL7A1-related conditions. Invitae Evidence Modeling of protein sequence and biophysical properties (such as structural, functional, and spatial information, amino acid conservation, physicochemical variation, residue mobility, and thermodynamic stability) has been performed for this missense variant. However, the output from this modeling did not meet the statistical confidence thresholds required to predict the impact of this variant on COL7A1 protein function. In summary, the available evidence is currently insufficient to determine the role of this variant in disease. Therefore, it has been classified as a Variant of Uncertain Significance.

NM_000094.4(COL7A1):c.8203C>A (p.Pro2735Thr)

Gene: COL7A1 (collagen type VII alpha 1 chain; minus strand). Cytogenetic location: 3p21.31.
Variant type: single nucleotide variant.
Coding change: c.8203C>A on transcript NM_000094.4 (MANE Select); coding-DNA position 8203, C replaced by A.
Protein change: p.Pro2735Thr; replaces proline 2735 with threonine.
Molecular consequence: missense variant.
Genome position (GRCh38, 1-based): chr3:48,566,930, G>T on the plus strand (C>A on the coding strand, the complement: COL7A1 is on the minus strand). VCF-style: chr3-48566930-G-T. GRCh37 (hg19) VCF-style: chr3-48604363-G-T.
Other names: short protein forms P2735T.
Identifiers: ClinVar variation 3626243 (VCV003626243.2).